The following is an entry in ClinVar:

NM_058216.3(RAD51C):c.706-16T>C

Gene: RAD51C (RAD51 paralog C; plus strand). Cytogenetic location: 17q22.
Variant type: single nucleotide variant.
Coding change: c.706-16T>C on transcript NM_058216.3 (MANE Select); 16 bases into the intron before coding-DNA position 706, T replaced by C.
Molecular consequence: intron variant.
Genome position (GRCh38, 1-based): chr17:58,709,843, T>C. VCF-style: chr17-58709843-T-C. GRCh37 (hg19) VCF-style: chr17-56787204-T-C.
Identifiers: ClinVar variation 630134 (VCV000630134.3), dbSNP rs780621599, ClinGen allele CA8677319.

ClinVar aggregate classification (germline): Likely benign. Review status: criteria provided, multiple submitters, no conflicts (2 of 4 stars). 2 submissions from 2 submitters: Likely benign (2). Last evaluated 2025-02-18.

Conditions:
Hereditary cancer-predisposing syndrome. Also called: Neoplastic Syndromes, Hereditary; Tumor predisposition; Hereditary neoplastic syndrome; Hereditary Cancer Syndrome. Identifiers: Orphanet 140162, MedGen C0027672, MeSH D009386, MONDO:0015356.
Breast-ovarian cancer, familial, susceptibility to, 3. Also called: RAD51C-Related Breast/Ovarian Cancer. Identifiers: Orphanet 145, MedGen C3150659, MONDO:0013253, OMIM 613399.

Allele frequency attached by ClinVar (database versions not stated): gnomAD exomes below 0.00001; TOPMed below 0.00001; ExAC 0.00001; gnomAD 0.00001.

Submissions (2):

Myriad Genetics, Inc.
Classification: Likely benign for Breast-ovarian cancer, familial, susceptibility to, 3. Last evaluated: 2025-02-18. Review status: criteria provided, single submitter. Criteria: Myriad Autosomal Dominant, Autosomal Recessive and X-Linked Classification Criteria (2023). Collection method: clinical testing. Allele origin: unknown.
Comment: This variant is considered likely benign. This variant is intronic and is not expected to impact mRNA splicing.

Color Diagnostics, LLC DBA Color Health
Classification: Likely benign for Hereditary cancer-predisposing syndrome. Last evaluated: 2018-07-16. Review status: criteria provided, single submitter. Criteria: ACMG Guidelines, 2015. Collection method: clinical testing. Allele origin: germline.